The following is an entry in ClinVar:

ClinVar aggregate classification (germline): Likely benign. Review status: reviewed by expert panel (3 of 4 stars). 4 submissions from 4 submitters: Likely benign (1). 3 of the submissions do not count toward it. Last evaluated 2024-01-10.

Conditions:
Immunodeficiency 104. Also called: Severe combined immunodeficiency, autosomal recessive, T cell-negative, B cell-positive, NK cell-positive; IMMUNODEFICIENCY 104, SEVERE COMBINED; Severe Combined Immune Deficiency, Autosomal Recessive, TCell -Negative, B Cell-Positive, NK Cell-Positive, IL7R-Related; SCID, AUTOSOMAL RECESSIVE, T CELL-NEGATIVE, B CELL-POSITIVE, NK CELL-POSITIVE. Identifiers: MedGen C5676890, MONDO:0012163, OMIM 608971.

Allele frequency attached by ClinVar (database versions not stated): gnomAD exomes 0.00011 and 0.00031; ExAC 0.00041; TOPMed 0.00118; gnomAD 0.00119 and 0.00125; ESP Exome Variant Server 0.00146; 1000 Genomes Project 30x 0.00187; 1000 Genomes Project 0.00200.
gnomAD v4.1: 345 of 1,613,428 alleles (0.021%); highest among the groups gnomAD compares: African/African-American, 0.41%; 1 homozygote.

Submissions (4):

ClinGen Severe Combined Immunodeficiency Variant Curation Expert Panel, ClinGen
Classification: Likely benign for Immunodeficiency 104. Last evaluated: 2024-01-10. Review status: reviewed by expert panel. Criteria: ClinGen SCID ACMG Specifications IL7R V1.0.0. Collection method: curation. Allele origin: germline. Inheritance: Autosomal recessive inheritance.
Comment: NM_002185.5(IL7R):c.339A>C is a missense variant predicted to cause substitution of Glutamic Acid by Aspartic Acid at amino acid 113 (p.Glu113Asp). The filtering allele frequency (the lower threshold of the 95% CI of 308/75016) of the c.339A>C variant in IL7R is 0.003481 for African/African American chromosomes by gnomAD v4, which is higher than the ClinGen SCID VCEP threshold (>0.00126) for BS1, and therefore meets this criterion (BS1). To our knowledge, this variant has not been reported in the literature in individuals affected with IL7R-related conditions or in functional studies. In summary, this variant meets the criteria to be classified as Likely Benign variant for autosomal recessive severe combined immunodeficiency due to IL7R deficiency based on the ACMG/AMP criteria applied, as specified by the ClinGen SCID VCEP: BS1_met (VCEP specifications version 1).

Labcorp Genetics (formerly Invitae), Labcorp
Classification: Likely benign for Immunodeficiency 104. Last evaluated: 2026-01-02. Review status: criteria provided, single submitter. Criteria: Invitae Variant Classification Sherloc (09022015). Collection method: clinical testing. Allele origin: germline. Not counted in ClinVar's aggregate classification.

Baylor Genetics
Classification: Uncertain significance for Immunodeficiency 104. Last evaluated: 2018-05-09. Review status: criteria provided, single submitter. Criteria: ACMG Guidelines, 2015. Collection method: clinical testing. Allele origin: unknown. Affected: yes. Not counted in ClinVar's aggregate classification.
Comment: This variant was determined to be of uncertain significance according to ACMG Guidelines, 2015 [PMID:25741868].

GeneDx
Classification: Likely benign. Last evaluated: 2015-08-10. Review status: criteria provided, single submitter. Criteria: GeneDx Variant Classification (06012015). Collection method: clinical testing. Allele origin: germline. Affected: yes. Not counted in ClinVar's aggregate classification.
Comment: This variant is considered likely benign or benign based on one or more of the following criteria: it is a conservative change, it occurs at a poorly conserved position in the protein, it is predicted to be benign by multiple in silico algorithms, and/or has population frequency not consistent with disease.

NM_002185.5(IL7R):c.339A>C (p.Glu113Asp)

Gene: IL7R (interleukin 7 receptor; plus strand). Cytogenetic location: 5p13.2.
Variant type: single nucleotide variant.
Coding change: c.339A>C on transcript NM_002185.5 (MANE Select); coding-DNA position 339, A replaced by C.
Protein change: p.Glu113Asp; replaces glutamic acid 113 with aspartic acid.
Molecular consequence: missense variant. On other transcripts: non-coding transcript variant (1).
Genome position (GRCh38, 1-based): chr5:35,867,423, A>C. VCF-style: chr5-35867423-A-C. GRCh37 (hg19) VCF-style: chr5-35867525-A-C.
Other names: NM_002185.5(IL7R):c.339A>C; p.Glu113Asp; short protein forms E113D.
Identifiers: ClinVar variation 377977 (VCV000377977.14), dbSNP rs11567735, ClinGen allele CA3231920.
Genomic context (GRCh38, chr5:35,867,423, plus strand): 5'-CATCGAGACAAAGAAATTCTTACTGATTGGAAAGAGCAATATATGTGTGAAGGTTGGAGA[A>C]AAGAGTCTAACCTGCAAAAAAATAGACCTAACCACTATAGGTAAGAAGTTGTATATAAAA-3'
Protein context (NP_002176.2, residues 103-123): GKSNICVKVG[Glu113Asp]KSLTCKKIDL